The following is an entry in ClinVar:

NM_018979.4(WNK1):c.5818C>T (p.Pro1940Ser)

Gene: WNK1 (WNK lysine deficient protein kinase 1; plus strand). Cytogenetic location: 12p13.33.
Variant type: single nucleotide variant.
Coding change: c.5818C>T on transcript NM_018979.4 (MANE Select); coding-DNA position 5818, C replaced by T.
Protein change: p.Pro1940Ser; replaces proline 1940 with serine.
Molecular consequence: missense variant.
Genome position (GRCh38, 1-based): chr12:896,305, C>T. VCF-style: chr12-896305-C-T. GRCh37 (hg19) VCF-style: chr12-1005471-C-T.
Other names: c.6598C>T, p.Pro2200Ser (NM_001184985.2); c.5074C>T, p.Pro1692Ser (NM_014823.3); c.6574C>T, p.Pro2192Ser (NM_213655.5); short protein forms P1692S, P1940S, P2192S, P2200S.
Identifiers: ClinVar variation 1002808 (VCV001002808.10), dbSNP rs1416374405, ClinGen allele CA383335342.

ClinVar aggregate classification (germline): Uncertain significance. Review status: criteria provided, multiple submitters, no conflicts (2 of 4 stars). 2 submissions from 2 submitters: Uncertain significance (2). Last evaluated 2021-11-04.

Conditions:
Pseudohypoaldosteronism type 2C (PHA2C). Also called: Pseudohypoaldosteronism Type IIC. Identifiers: Orphanet 757, Orphanet 88940, MedGen C1840391, MONDO:0013778, OMIM 614492.
Neuropathy, hereditary sensory and autonomic, type 2A (HSAN2A). Also called: ACROOSTEOLYSIS, GIACCAI TYPE; ACROOSTEOLYSIS, NEUROGENIC; MORVAN DISEASE; NEUROPATHY, CONGENITAL SENSORY; NEUROPATHY, HEREDITARY SENSORY RADICULAR, AUTOSOMAL RECESSIVE; NEUROPATHY, HEREDITARY SENSORY, TYPE IIA. Identifiers: Orphanet 970, MedGen C2752089, MONDO:0024309, OMIM 201300.

Allele frequency attached by ClinVar (database versions not stated): TOPMed 0.00001; gnomAD 0.00001; gnomAD exomes 0.00001.
gnomAD v4.1: 4 of 1,614,054 alleles (0.00025%); highest among the groups gnomAD compares: East Asian, 0.0045%; no homozygotes.

Submissions (2):

Fulgent Genetics
Classification: Uncertain significance for Neuropathy, hereditary sensory and autonomic, type 2A; Pseudohypoaldosteronism type 2C. Last evaluated: 2021-11-04. Review status: criteria provided, single submitter. Criteria: ACMG Guidelines, 2015. Collection method: clinical testing. Allele origin: unknown.

Labcorp Genetics (formerly Invitae), Labcorp
Classification: Uncertain significance for Neuropathy, hereditary sensory and autonomic, type 2A; Pseudohypoaldosteronism type 2C. Last evaluated: 2020-02-13. Review status: criteria provided, single submitter. Criteria: Invitae Variant Classification Sherloc (09022015). Collection method: clinical testing. Allele origin: germline.
Comment: This variant has not been reported in the literature in individuals with WNK1-related conditions. In summary, the available evidence is currently insufficient to determine the role of this variant in disease. Therefore, it has been classified as a Variant of Uncertain Significance. This sequence change replaces proline with serine at codon 2192 of the WNK1 protein (p.Pro2192Ser). The proline residue is highly conserved and there is a moderate physicochemical difference between proline and serine. This variant is not present in population databases (ExAC no frequency). Algorithms developed to predict the effect of missense changes on protein structure and function output the following: SIFT: "Deleterious"; PolyPhen-2: "Not Available"; Align-GVGD: "Class C65". The serine amino acid residue is found in multiple mammalian species, suggesting that this missense change does not adversely affect protein function. These predictions have not been confirmed by published functional studies and their clinical significance is uncertain.